The following is an entry in ClinVar:

NM_000540.3(RYR1):c.7873C>A (p.Arg2625Ser)

Gene: RYR1 (ryanodine receptor 1; plus strand). Cytogenetic location: 19q13.2.
Variant type: single nucleotide variant.
Coding change: c.7873C>A on transcript NM_000540.3 (MANE Select); coding-DNA position 7873, C replaced by A.
Protein change: p.Arg2625Ser; replaces arginine 2625 with serine.
Molecular consequence: missense variant.
Genome position (GRCh38, 1-based): chr19:38,502,917, C>A. VCF-style: chr19-38502917-C-A. GRCh37 (hg19) VCF-style: chr19-38993557-C-A.
Other names: c.7873C>A, p.Arg2625Ser (NM_001042723.2); short protein forms R2625S.
Identifiers: ClinVar variation 3674471 (VCV003674471.2).
Genomic context (GRCh38, chr19:38,502,917, plus strand): 5'-ACATCTTGTGCATTGTCCCGCAGGTACATCCGCCCGTCGATGCTGCAGCACCTGTTGCGC[C>A]GCCTGGTGTTCGACGTGCCCATCCTCAACGAGTTCGCCAAGATGCCACTCAAGGTGAGGG-3'
Protein context (NP_000531.2, residues 2615-2635): RPSMLQHLLR[Arg2625Ser]LVFDVPILNE

ClinVar aggregate classification (germline): Uncertain significance (1 of 4 stars; one submission).

Conditions:
RYR1-related disorder. Also called: RYR1-related condition; RYR1-related disorders. Identifiers: MedGen CN239331.

Submission:

Labcorp Genetics (formerly Invitae), Labcorp
Classification: Uncertain significance for RYR1-related disorder. Last evaluated: 2024-12-20. Review status: criteria provided, single submitter. Criteria: Invitae Variant Classification Sherloc (09022015). Collection method: clinical testing. Allele origin: germline.
Comment: This sequence change replaces arginine, which is basic and polar, with serine, which is neutral and polar, at codon 2625 of the RYR1 protein (p.Arg2625Ser). This variant is not present in population databases (gnomAD no frequency). This variant has not been reported in the literature in individuals affected with RYR1-related conditions. Invitae Evidence Modeling of protein sequence and biophysical properties (such as structural, functional, and spatial information, amino acid conservation, physicochemical variation, residue mobility, and thermodynamic stability) indicates that this missense variant is not expected to disrupt RYR1 protein function with a negative predictive value of 80%. In summary, the available evidence is currently insufficient to determine the role of this variant in disease. Therefore, it has been classified as a Variant of Uncertain Significance.